The following is an entry in ClinVar:

NM_207352.4(CYP4V2):c.1286A>G (p.Asp429Gly)

Gene: CYP4V2 (cytochrome P450 family 4 subfamily V member 2; plus strand). Cytogenetic location: 4q35.2.
Variant type: single nucleotide variant.
Coding change: c.1286A>G on transcript NM_207352.4 (MANE Select); coding-DNA position 1286, A replaced by G.
Protein change: p.Asp429Gly; replaces aspartic acid 429 with glycine.
Molecular consequence: missense variant.
Genome position (GRCh38, 1-based): chr4:186,209,153, A>G. VCF-style: chr4-186209153-A-G. GRCh37 (hg19) VCF-style: chr4-187130307-A-G.
Other names: short protein forms D429G.
Identifiers: ClinVar variation 1519167 (VCV001519167.8), dbSNP rs1398982195, ClinGen allele CA358950465.

ClinVar aggregate classification (germline): Uncertain significance (1 of 4 stars; one submission).

Allele frequency attached by ClinVar (database versions not stated): gnomAD exomes below 0.00001; TOPMed below 0.00001; gnomAD 0.00001.
gnomAD v4.1: 7 of 1,613,968 alleles (0.00043%); highest among the groups gnomAD compares: African/African-American, 0.0013%; no homozygotes.

Submission:

Labcorp Genetics (formerly Invitae), Labcorp
Classification: Uncertain significance. Last evaluated: 2021-02-05. Review status: criteria provided, single submitter. Criteria: Invitae Variant Classification Sherloc (09022015). Collection method: clinical testing. Allele origin: germline.
Comment: This variant is not present in population databases (ExAC no frequency). In summary, the available evidence is currently insufficient to determine the role of this variant in disease. Therefore, it has been classified as a Variant of Uncertain Significance. Algorithms developed to predict the effect of sequence changes on RNA splicing suggest that this variant may create or strengthen a splice site, but this prediction has not been confirmed by published transcriptional studies. Advanced modeling of protein sequence and biophysical properties (such as structural, functional, and spatial information, amino acid conservation, physicochemical variation, residue mobility, and thermodynamic stability) performed at Invitae indicates that this missense variant is not expected to disrupt CYP4V2 protein function. This variant has not been reported in the literature in individuals with CYP4V2-related conditions. This sequence change replaces aspartic acid with glycine at codon 429 of the CYP4V2 protein (p.Asp429Gly). The aspartic acid residue is highly conserved and there is a moderate physicochemical difference between aspartic acid and glycine.